The following is an entry in ClinVar:

NM_000038.6(APC):c.6671T>C (p.Ile2224Thr)

Gene: APC (APC regulator of Wnt signaling pathway; plus strand). Cytogenetic location: 5q22.2.
Variant type: single nucleotide variant.
Coding change: c.6671T>C on transcript NM_000038.6 (MANE Select); coding-DNA position 6671, T replaced by C.
Protein change: p.Ile2224Thr; replaces isoleucine 2224 with threonine.
Molecular consequence: missense variant.
Genome position (GRCh38, 1-based): chr5:112,842,265, T>C. VCF-style: chr5-112842265-T-C. GRCh37 (hg19) VCF-style: chr5-112177962-T-C.
Other names: c.6671T>C, p.Ile2224Thr (NM_001127510.3, NM_001354895.2); c.6617T>C, p.Ile2206Thr (NM_001127511.3); c.6725T>C, p.Ile2242Thr (NM_001354896.2); c.6701T>C, p.Ile2234Thr (NM_001354897.2); c.6596T>C, p.Ile2199Thr (NM_001354898.2); c.6587T>C, p.Ile2196Thr (NM_001354899.2); c.6548T>C, p.Ile2183Thr (NM_001354900.2); c.6494T>C, p.Ile2165Thr (NM_001354901.2); and 5 more; short protein forms I2064T, I2098T, I2196T, I2242T, I2165T, I2234T, I1941T, I2123T.
Identifiers: ClinVar variation 947160 (VCV000947160.17), dbSNP rs1766272028, ClinGen allele CA16035922.

ClinVar aggregate classification (germline): Uncertain significance. Review status: criteria provided, multiple submitters, no conflicts (2 of 4 stars). 4 submissions from 4 submitters: Uncertain significance (4). Last evaluated 2024-03-06.

Conditions:
Hereditary cancer-predisposing syndrome. Also called: Hereditary neoplastic syndrome; Neoplastic Syndromes, Hereditary; Tumor predisposition; Hereditary Cancer Syndrome. Identifiers: Orphanet 140162, MedGen C0027672, MeSH D009386, MONDO:0015356.
Familial adenomatous polyposis 1 (FAP1). Also called: FAMILIAL ADENOMATOUS POLYPOSIS 1, ATTENUATED; POLYPOSIS, ADENOMATOUS INTESTINAL. Identifiers: MedGen C2713442, MONDO:0021056, OMIM 175100. Disease mechanism: loss of function.

Allele frequency attached by ClinVar (database versions not stated): gnomAD exomes below 0.00001.
gnomAD v4.1: 2 of 1,613,986 alleles (0.00012%); highest among the groups gnomAD compares: Non-Finnish European, 0.00017%; no homozygotes.

Submissions (4):

Color Diagnostics, LLC DBA Color Health
Classification: Uncertain significance for Hereditary cancer-predisposing syndrome. Last evaluated: 2024-03-06. Review status: criteria provided, single submitter. Criteria: ACMG Guidelines, 2015. Collection method: clinical testing. Allele origin: germline.
Comment: This missense variant replaces isoleucine with threonine at codon 2224 of the APC protein. Computational prediction suggests that this variant may not impact protein structure and function (internally defined REVEL score threshold <= 0.5, PMID: 27666373). To our knowledge, functional studies have not been reported for this variant. This variant has not been reported in individuals affected with hereditary cancer in the literature. This variant has not been identified in the general population by the Genome Aggregation Database (gnomAD). The available evidence is insufficient to determine the role of this variant in disease conclusively. Therefore, this variant is classified as a Variant of Uncertain Significance.

Baylor Genetics
Classification: Uncertain significance for Familial adenomatous polyposis 1. Last evaluated: 2023-08-04. Review status: criteria provided, single submitter. Criteria: ACMG Guidelines, 2015. Collection method: clinical testing. Allele origin: unknown.

Ambry Genetics
Classification: Uncertain significance for Hereditary cancer-predisposing syndrome. Last evaluated: 2023-06-23. Review status: criteria provided, single submitter. Criteria: Ambry Variant Classification Scheme 2023. Collection method: clinical testing. Allele origin: germline.
Comment: The p.I2224T variant (also known as c.6671T>C), located in coding exon 15 of the APC gene, results from a T to C substitution at nucleotide position 6671. The isoleucine at codon 2224 is replaced by threonine, an amino acid with similar properties. This amino acid position is well conserved in available vertebrate species. In addition, in silico predictors for this gene do not accurately predict pathogenicity. Since supporting evidence is limited at this time, the clinical significance of this alteration remains unclear.

Labcorp Genetics (formerly Invitae), Labcorp
Classification: Uncertain significance for Familial adenomatous polyposis 1. Last evaluated: 2022-07-12. Review status: criteria provided, single submitter. Criteria: Invitae Variant Classification Sherloc (09022015). Collection method: clinical testing. Allele origin: germline.
Comment: This variant is not present in population databases (gnomAD no frequency). This sequence change replaces isoleucine, which is neutral and non-polar, with threonine, which is neutral and polar, at codon 2224 of the APC protein (p.Ile2224Thr). This variant has not been reported in the literature in individuals affected with APC-related conditions. In summary, the available evidence is currently insufficient to determine the role of this variant in disease. Therefore, it has been classified as a Variant of Uncertain Significance. Algorithms developed to predict the effect of missense changes on protein structure and function (SIFT, PolyPhen-2, Align-GVGD) all suggest that this variant is likely to be disruptive. ClinVar contains an entry for this variant (Variation ID: 947160).